The following is an entry in ClinVar:

NM_000186.4(CFH):c.3619C>A (p.Leu1207Ile)

Gene: CFH (complement factor H; plus strand). Cytogenetic location: 1q31.3.
Variant type: single nucleotide variant.
Coding change: c.3619C>A on transcript NM_000186.4 (MANE Select); coding-DNA position 3619, C replaced by A.
Protein change: p.Leu1207Ile; replaces leucine 1207 with isoleucine.
Molecular consequence: missense variant.
Genome position (GRCh38, 1-based): chr1:196,747,236, C>A. VCF-style: chr1-196747236-C-A. GRCh37 (hg19) VCF-style: chr1-196716366-C-A.
Other names: short protein forms L1207I.
Identifiers: ClinVar variation 4291630 (VCV004291630.2).

ClinVar aggregate classification (germline): Uncertain significance (1 of 4 stars; one submission).

Conditions:
Atypical hemolytic-uremic syndrome. Identifiers: Orphanet 2134, MedGen C2931788, MONDO:0016244.
Age related macular degeneration 4. Identifiers: MedGen C1853147, MONDO:0012540, OMIM 610698.
Basal laminar drusen. Also called: DRUSEN OF BRUCH MEMBRANE; DRUSEN, CUTICULAR; DRUSEN, EARLY ADULT-ONSET, GROUPED. Identifiers: Orphanet 75376, MedGen C0730295, MONDO:0007472, OMIM 126700.
Factor H deficiency (CFHD). Also called: COMPLEMENT FACTOR H DEFICIENCY; CFH DEFICIENCY. Identifiers: Orphanet 200421, MedGen C0398777, MONDO:0012350, OMIM 609814.

Submission:

Genomenon, Inc
Classification: Uncertain significance for Age related macular degeneration 4; Atypical hemolytic-uremic syndrome; Factor H deficiency; Basal laminar drusen. Last evaluated: 2026-09-17. Review status: criteria provided, single submitter. Criteria: Genomenon Sequence Variant Interpretation Standards - Updated. Collection method: curation. Allele origin: germline. Affected: no.
Comment: CFH p.Leu1207Ile (c.3619C>A) is a missense variant that changes the amino acid at codon 1207 from leucine to isoleucine. This variant has been reported in the published literature (PMID: 34912830). It is absent or not present at a significant frequency in gnomAD. In silico models predict that this variant is not damaging. In conclusion, we classify CFH p.Leu1207Ile (c.3619C>A) as a variant of uncertain significance.

Literature cited by the submitters: PubMed 34912830.